The following is an entry in ClinVar:

NM_001048174.2(MUTYH):c.482G>C (p.Gly161Ala)

Gene: MUTYH (mutY DNA glycosylase; minus strand). Cytogenetic location: 1p34.1.
Variant type: single nucleotide variant.
Coding change: c.482G>C on transcript NM_001048174.2 (MANE Select); coding-DNA position 482, G replaced by C.
Protein change: p.Gly161Ala; replaces glycine 161 with alanine.
Molecular consequence: missense variant. On other transcripts: non-coding transcript variant (7).
Genome position (GRCh38, 1-based): chr1:45,332,773, C>G on the plus strand (G>C on the coding strand, the complement: MUTYH is on the minus strand). VCF-style: chr1-45332773-C-G. GRCh37 (hg19) VCF-style: chr1-45798445-C-G.
Other names: c.206G>C, p.Gly69Ala (NM_001293196.2, NM_001407091.1, NM_001293192.2); c.137G>C, p.Gly46Ala (NM_001350650.2, NM_001350651.2, NM_001407082.1); c.515G>C, p.Gly172Ala (NM_001407069.1, NM_001293191.2, NM_001407077.1); c.482G>C, p.Gly161Ala (NM_001407070.1, NM_001407072.1, NM_001407073.1 and 6 more transcripts); c.485G>C, p.Gly162Ala (NM_001407071.1, NM_001048172.2, NM_001407078.1 and 1 more transcripts); c.398G>C, p.Gly133Ala (NM_001407075.1); c.557G>C, p.Gly186Ala (NM_012222.3); c.566G>C, p.Gly189Ala (NM_001128425.2); and 5 more; short protein forms G148A, G175A, G161A, G176A, G189A, G133A, G162A, G46A.
Identifiers: ClinVar variation 4113732 (VCV004113732.1).

ClinVar aggregate classification (germline): Uncertain significance (1 of 4 stars; one submission).

Conditions:
Hereditary cancer-predisposing syndrome. Also called: Hereditary neoplastic syndrome; Neoplastic Syndromes, Hereditary; Tumor predisposition; Hereditary Cancer Syndrome. Identifiers: Orphanet 140162, MedGen C0027672, MeSH D009386, MONDO:0015356.

Submission:

Ambry Genetics
Classification: Uncertain significance for Hereditary cancer-predisposing syndrome. Last evaluated: 2025-08-27. Review status: criteria provided, single submitter. Criteria: Ambry Variant Classification Scheme 2023. Collection method: clinical testing. Allele origin: germline.
Comment: The p.G189A variant (also known as c.566G>C), located in coding exon 7 of the MUTYH gene, results from a G to C substitution at nucleotide position 566. The glycine at codon 189 is replaced by alanine, an amino acid with similar properties. This amino acid position is conserved. In addition, the in silico prediction for this alteration is inconclusive. Based on the available evidence, the clinical significance of this variant remains unclear.